The following is an entry in ClinVar:

NM_058216.3(RAD51C):c.655T>C (p.Leu219=)

Genes: RAD51C (RAD51 paralog C; plus strand), LOC129390903 (MPRA-validated peak2919 silencer; plus strand). Cytogenetic location: 17q22.
Variant type: single nucleotide variant.
Coding change: c.655T>C on transcript NM_058216.3 (MANE Select); coding-DNA position 655, T replaced by C.
Protein change: p.Leu219=; no amino-acid change (leucine 219 retained).
Molecular consequence: synonymous variant. On other transcripts: non-coding transcript variant (1).
Genome position (GRCh38, 1-based): chr17:58,703,279, T>C. VCF-style: chr17-58703279-T-C. GRCh37 (hg19) VCF-style: chr17-56780640-T-C.
Identifiers: ClinVar variation 3903582 (VCV003903582.1).

ClinVar aggregate classification (germline): Benign (1 of 4 stars; one submission).

Conditions:
Breast-ovarian cancer, familial, susceptibility to, 3. Also called: RAD51C-Related Breast/Ovarian Cancer. Identifiers: Orphanet 145, MedGen C3150659, MONDO:0013253, OMIM 613399.

Submission:

Myriad Genetics, Inc.
Classification: Benign for Breast-ovarian cancer, familial, susceptibility to, 3. Last evaluated: 2025-02-18. Review status: criteria provided, single submitter. Criteria: Myriad Autosomal Dominant, Autosomal Recessive and X-Linked Classification Criteria (2023). Collection method: clinical testing. Allele origin: unknown.
Comment: This variant is considered benign. This variant is a silent/synonymous amino acid change and it is not expected to impact splicing.